The following is an entry in ClinVar:

NM_004447.6(EPS8):c.583C>T (p.Arg195Trp)

Gene: EPS8 (EGFR pathway substrate 8, signaling adaptor; minus strand). Cytogenetic location: 12p12.3.
Variant type: single nucleotide variant.
Coding change: c.583C>T on transcript NM_004447.6 (MANE Select); coding-DNA position 583, C replaced by T.
Protein change: p.Arg195Trp; replaces arginine 195 with tryptophan.
Molecular consequence: missense variant.
Genome position (GRCh38, 1-based): chr12:15,666,456, G>A on the plus strand (C>T on the coding strand, the complement: EPS8 is on the minus strand). VCF-style: chr12-15666456-G-A. GRCh37 (hg19) VCF-style: chr12-15819390-G-A.
Other names: c.583C>T, p.Arg195Trp (NM_001413831.1, NM_001413832.1, NM_001413833.1 and 3 more transcripts); c.343C>T, p.Arg115Trp (NM_001413835.1, NM_001413836.1); c.166C>T, p.Arg56Trp (NM_001413837.1); short protein forms R115W, R195W, R56W.
Identifiers: ClinVar variation 1810165 (VCV001810165.7), dbSNP rs138912389, ClinGen allele CA6467840.

ClinVar aggregate classification (germline): Uncertain significance. Review status: criteria provided, multiple submitters, no conflicts (2 of 4 stars). 3 submissions from 3 submitters: Uncertain significance (3). Last evaluated 2026-02-05.

Conditions:
Inborn genetic diseases. Identifiers: MedGen C0950123, MeSH D030342.

Allele frequency attached by ClinVar (database versions not stated): gnomAD 0.00017; ExAC 0.00007; ESP Exome Variant Server 0.00008; 1000 Genomes Project 30x 0.00016; TOPMed 0.00019; 1000 Genomes Project 0.00020; gnomAD exomes 0.00003.
gnomAD v4.1: 62 of 1,613,106 alleles (0.0038%); highest among the groups gnomAD compares: African/African-American, 0.055%; no homozygotes.

Submissions (3):

GeneDx
Classification: Uncertain significance. Last evaluated: 2026-02-05. Review status: criteria provided, single submitter. Criteria: GeneDx Variant Classification Process June 2021. Collection method: clinical testing. Allele origin: germline. Affected: yes.
Comment: In silico analysis supports that this missense variant has a deleterious effect on protein structure/function; Has not been previously published as pathogenic or benign to our knowledge

Labcorp Genetics (formerly Invitae), Labcorp
Classification: Uncertain significance. Last evaluated: 2022-04-29. Review status: criteria provided, single submitter. Criteria: Invitae Variant Classification Sherloc (09022015). Collection method: clinical testing. Allele origin: germline.
Comment: This sequence change replaces arginine, which is basic and polar, with tryptophan, which is neutral and slightly polar, at codon 195 of the EPS8 protein (p.Arg195Trp). This variant is present in population databases (rs138912389, gnomAD 0.04%). This variant has not been reported in the literature in individuals affected with EPS8-related conditions. Algorithms developed to predict the effect of missense changes on protein structure and function are either unavailable or do not agree on the potential impact of this missense change (SIFT: "Deleterious"; PolyPhen-2: "Probably Damaging"; Align-GVGD: "Class C0"). In summary, the available evidence is currently insufficient to determine the role of this variant in disease. Therefore, it has been classified as a Variant of Uncertain Significance.

Ambry Genetics
Classification: Uncertain significance for Inborn genetic diseases. Last evaluated: 2021-07-06. Review status: criteria provided, single submitter. Criteria: Ambry Variant Classification Scheme 2023. Collection method: clinical testing. Allele origin: germline.